The following is an entry in ClinVar:

ClinVar aggregate classification (germline): Uncertain significance. Review status: criteria provided, multiple submitters, no conflicts (2 of 4 stars). 2 submissions from 2 submitters: Uncertain significance (2). Last evaluated 2025-08-13.

Conditions:
Autosomal dominant centronuclear myopathy. Also called: MYOTUBULAR MYOPATHY, AUTOSOMAL DOMINANT; Myopathy, centronuclear, 3. Identifiers: Orphanet 169189, MedGen C4551952, MeSH D020914, MONDO:0008048, OMIM 160150.

Allele frequency attached by ClinVar (database versions not stated): gnomAD 0.00002 and 0.00003; ExAC 0.00003; TOPMed 0.00003.

Submissions (2):

Ambry Genetics
Classification: Uncertain significance. Last evaluated: 2025-08-13. Review status: criteria provided, single submitter. Criteria: Ambry Variant Classification Scheme 2023. Collection method: clinical testing. Allele origin: germline.

Labcorp Genetics (formerly Invitae), Labcorp
Classification: Uncertain significance for Autosomal dominant centronuclear myopathy. Last evaluated: 2018-08-21. Review status: criteria provided, single submitter. Criteria: Invitae Variant Classification Sherloc (09022015). Collection method: clinical testing. Allele origin: germline.
Comment: This sequence change replaces glutamic acid with glutamine at codon 111 of the MYF6 protein (p.Glu111Gln). The glutamic acid residue is highly conserved and there is a small physicochemical difference between glutamic acid and glutamine. This variant is present in population databases (rs773695133, ExAC 0.006%). This variant has not been reported in the literature in individuals with MYF6-related disease. ClinVar contains an entry for this variant (Variation ID: 472753). Algorithms developed to predict the effect of missense changes on protein structure and function (SIFT, PolyPhen-2, Align-GVGD) all suggest that this variant is likely to be disruptive, but these predictions have not been confirmed by published functional studies and their clinical significance is uncertain. In summary, the available evidence is currently insufficient to determine the role of this variant in disease. Therefore, it has been classified as a Variant of Uncertain Significance.

NM_002469.3(MYF6):c.331G>C (p.Glu111Gln)

Gene: MYF6 (myogenic factor 6; plus strand). Cytogenetic location: 12q21.31.
Variant type: single nucleotide variant.
Coding change: c.331G>C on transcript NM_002469.3 (MANE Select); coding-DNA position 331, G replaced by C.
Protein change: p.Glu111Gln; replaces glutamic acid 111 with glutamine.
Molecular consequence: missense variant.
Genome position (GRCh38, 1-based): chr12:80,708,050, G>C. VCF-style: chr12-80708050-G-C. GRCh37 (hg19) VCF-style: chr12-81101829-G-C.
Other names: short protein forms E111Q.
Identifiers: ClinVar variation 472753 (VCV000472753.12), dbSNP rs773695133, ClinGen allele CA6703066.